The following is an entry in ClinVar:

ClinVar aggregate classification (germline): Pathogenic/Likely pathogenic. Review status: criteria provided, multiple submitters, no conflicts (2 of 4 stars). 4 submissions from 4 submitters: Pathogenic (3); Likely pathogenic (1). Last evaluated 2025-01-28.

Conditions:
Osteogenesis imperfecta type I (OI1). Also called: Osteogenesis imperfecta type 1; Lobstein's Disease; Lobstein disease; OI, TYPE I; OSTEOGENESIS IMPERFECTA TARDA; OSTEOGENESIS IMPERFECTA WITH BLUE SCLERAE. Identifiers: Orphanet 216796, Orphanet 666, MedGen C0023931, MONDO:0008146, OMIM 166200. Disease mechanism: loss of function.
Osteogenesis imperfecta (OI). Identifiers: Orphanet 666, MedGen C0029434, MeSH D010013, MONDO:0019019.

Submissions (4):

Dasa
Classification: Pathogenic. Last evaluated: 2025-01-28. Review status: criteria provided, single submitter. Criteria: DASA Assertion Criteria. Collection method: clinical testing. Allele origin: germline.
Comment: NM_000088.4(COL1A1):c.3531+1G>A introduces a premature termination codon predicted to result in loss of normal protein function. Loss-of-function is an established mechanism of disease for this gene. This variant results in the same amino acid change as a previously established pathogenic variant. Functional evidence supports a deleterious effect on the gene or gene product (PMID: 7942841). This variant has been reported in individuals with related phenotype (PMID: 7942841). The variant is present at low frequency in population datasets. Based on the available data, this variant is classified as pathogenic.

Illumina Laboratory Services, Illumina
Classification: Pathogenic for Osteogenesis imperfecta. Last evaluated: 2021-11-19. Review status: criteria provided, single submitter. Criteria: ICSLVariantClassificationCriteria RUGD 01 April 2020. Collection method: clinical testing. Allele origin: unknown.
Comment: The COL1A1 c.3531+1G>A variant occurs in a canonical splice site (donor) and is predicted to disrupt the normal gene product. The c.3531+1G>A variant has been reported in a heterozygous state in an individual with osteogenesis imperfecta, type I (Willing et al. 1994). The c.3531+1G>A variant is not found in version 2.1.1 or version 3.1.2 of the Genome Aggregation Database despite its location in a region of good sequencing coverage, which suggests the variant is rare. Experimental studies have shown that the variant leads to preservation of the reading frame with skipping of exon 48 and reduced mRNA levels (Willing et al. 1994). Other nucleotides changes at this same position have been reported in at least three individuals with osteogenesis imperfecta (Bardai et al. 2016; Essawi et al. 2018). Based on the collective evidence, the c.3531+1G>A variant is classified as pathogenic for COL1A1-related osteogenesis imperfecta.

Genome Diagnostics Laboratory, The Hospital for Sick Children
Classification: Likely pathogenic for Osteogenesis imperfecta. Last evaluated: 2018-11-06. Review status: criteria provided, single submitter. Criteria: ACMG Guidelines, 2015. Collection method: clinical testing. Allele origin: germline.

Labcorp Genetics (formerly Invitae), Labcorp
Classification: Pathogenic for Osteogenesis imperfecta type I. Last evaluated: 2018-03-14. Review status: criteria provided, single submitter. Criteria: Invitae Variant Classification Sherloc (09022015). Collection method: clinical testing. Allele origin: germline.
Comment: This variant has been reported in an individual affected with osteogenesis imperfecta type I (PMID: 7942841). The variant is also known as a substitution at the 5' donor splice site at position +1 of intron 48. Experimental studies have shown that this splice variant leads to skipping of exon 48 and reduced mRNA levels (PMID: 7942841). Donor and acceptor splice site variants typically lead to a loss of protein function (PMID: 16199547), and loss-of-function variants in COL1A1 are known to be pathogenic (PMID: 7942841, 9295084, 9443882). For these reasons, this variant has been classified as Pathogenic. This sequence change affects a donor splice site in intron 47 of the COL1A1 gene. It is expected to disrupt RNA splicing and likely results in an absent or disrupted protein product. This variant is not present in population databases (ExAC no frequency).

Literature cited by the submitters: PubMed 7942841 (cited by 3 submitters); PubMed 27509835 (cited by Illumina Laboratory Services, Illumina); PubMed 29150909 (cited by Illumina Laboratory Services, Illumina); PubMed 16199547 (cited by Labcorp Genetics (formerly Invitae), Labcorp); PubMed 9295084 (cited by Labcorp Genetics (formerly Invitae), Labcorp); PubMed 9443882 (cited by Labcorp Genetics (formerly Invitae), Labcorp).

NM_000088.4(COL1A1):c.3531+1G>A

Gene: COL1A1 (collagen type I alpha 1 chain; minus strand). Cytogenetic location: 17q21.33.
Variant type: single nucleotide variant.
Coding change: c.3531+1G>A on transcript NM_000088.4 (MANE Select); the canonical splice donor site of the intron after coding-DNA position 3531, G replaced by A.
Molecular consequence: splice donor variant.
Genome position (GRCh38, 1-based): chr17:50,187,014, C>T on the plus strand (G>A on the coding strand, the complement: COL1A1 is on the minus strand). VCF-style: chr17-50187014-C-T. GRCh37 (hg19) VCF-style: chr17-48264375-C-T.
Identifiers: ClinVar variation 568906 (VCV000568906.15), dbSNP rs72656326, ClinGen allele CA291542901.
Genomic context (GRCh38, chr17:50,187,014, plus strand): 5'-CGGCATCCAAGTGCTTTGGGGGCTGGAGGGCCATGAGCAGAGGGGATGAGGGGCTACATA[C>T]AACAGGACCAGCATCACCAGTGCGACCGCGAGGACCAGGGGGCCCAATGGGGCCAGGGAG-3'